The following is an entry in ClinVar:

ClinVar aggregate classification (germline): Uncertain significance. Review status: criteria provided, multiple submitters, no conflicts (2 of 4 stars). 2 submissions from 2 submitters: Uncertain significance (2). Last evaluated 2025-09-10.

Conditions:
Pontocerebellar hypoplasia type 9. Identifiers: Orphanet 369920, MedGen C4014354, MONDO:0014351, OMIM 615809.
Hereditary spastic paraplegia 63. Also called: Spastic paraplegia 63, autosomal recessive. Identifiers: Orphanet 401805, MedGen C3810295, MONDO:0014305, OMIM 615686.
Inborn genetic diseases. Identifiers: MedGen C0950123, MeSH D030342.

Allele frequency attached by ClinVar (database versions not stated): gnomAD exomes 0.00005; ExAC 0.00007; gnomAD 0.00008; TOPMed 0.00011.
gnomAD v4.1: 85 of 1,598,232 alleles (0.0053%); highest among the groups gnomAD compares: African/African-American, 0.035%; no homozygotes.

Submissions (2):

Ambry Genetics
Classification: Uncertain significance for Inborn genetic diseases. Last evaluated: 2025-09-10. Review status: criteria provided, single submitter. Criteria: Ambry Variant Classification Scheme 2023. Collection method: clinical testing. Allele origin: germline.

Labcorp Genetics (formerly Invitae), Labcorp
Classification: Uncertain significance for Pontocerebellar hypoplasia type 9; Hereditary spastic paraplegia 63. Last evaluated: 2022-03-19. Review status: criteria provided, single submitter. Criteria: Invitae Variant Classification Sherloc (09022015). Collection method: clinical testing. Allele origin: germline.
Comment: In summary, the available evidence is currently insufficient to determine the role of this variant in disease. Therefore, it has been classified as a Variant of Uncertain Significance. Algorithms developed to predict the effect of missense changes on protein structure and function (SIFT, PolyPhen-2, Align-GVGD) all suggest that this variant is likely to be tolerated. This variant has not been reported in the literature in individuals affected with AMPD2-related conditions. This variant is present in population databases (rs774595273, gnomAD 0.04%). This sequence change replaces valine, which is neutral and non-polar, with isoleucine, which is neutral and non-polar, at codon 559 of the AMPD2 protein (p.Val559Ile).

NM_001368809.2(AMPD2):c.1513G>A (p.Val505Ile)

Genes: AMPD2 (adenosine monophosphate deaminase 2; plus strand), LOC126805822 (BRD4-independent group 4 enhancer GRCh37_chr1:110170748-110171947; plus strand). Cytogenetic location: 1p13.3.
Variant type: single nucleotide variant.
Coding change: c.1513G>A on transcript NM_001368809.2 (MANE Select); coding-DNA position 1513, G replaced by A.
Protein change: p.Val505Ile; replaces valine 505 with isoleucine.
Molecular consequence: missense variant.
Genome position (GRCh38, 1-based): chr1:109,628,748, G>A. VCF-style: chr1-109628748-G-A. GRCh37 (hg19) VCF-style: chr1-110171370-G-A.
Other names: c.1675G>A, p.Val559Ile (NM_001257360.2); c.1321G>A, p.Val441Ile (NM_001257361.2); c.1450G>A, p.Val484Ile (NM_001308170.1); c.1513G>A, p.Val505Ile (NM_004037.9); c.1432G>A, p.Val478Ile (NM_139156.4); c.1675G>A (NM_004037.6); short protein forms V441I, V478I, V484I, V505I, V559I.
Identifiers: ClinVar variation 2421244 (VCV002421244.8), dbSNP rs774595273, ClinGen allele CA993122.